The following is an entry in ClinVar:

ClinVar aggregate classification (germline): Likely benign (1 of 4 stars; one submission).

Conditions:
Blood group, I system (Ii). Identifiers: MedGen C0020717, OMIM 110800.

Allele frequency attached by ClinVar (database versions not stated): TOPMed 0.00006; 1000 Genomes Project 30x 0.00187; 1000 Genomes Project 0.00220.

Submission:

Illumina Laboratory Services, Illumina
Classification: Likely benign for Blood group, I system. Last evaluated: 2018-01-13. Review status: criteria provided, single submitter. Criteria: ICSL Variant Classification Criteria 13 December 2019. Collection method: clinical testing. Allele origin: germline.
Comment: This variant was observed in the ICSL laboratory as part of a predisposition screen in an ostensibly healthy population. It had not been previously curated by ICSL or reported in the Human Gene Mutation Database (HGMD: prior to June 1st, 2018), and was therefore a candidate for classification through an automated scoring system. Utilizing variant allele frequency, disease prevalence and penetrance estimates, and inheritance mode, an automated score was calculated to assess if this variant is too frequent to cause the disease. Based on the score and internal cut-off values, a variant classified as likely benign is not then subjected to further curation. The score for this variant resulted in a classification of likely benign for this disease.

NM_145649.5(GCNT2):c.*1432C>A

Gene: GCNT2 (glucosaminyl (N-acetyl) transferase 2 (I blood group); plus strand). Cytogenetic location: 6p24.2.
Variant type: single nucleotide variant.
Coding change: c.*1432C>A on transcript NM_145649.5 (MANE Select); 1432 bases downstream of the stop codon, C replaced by A.
Molecular consequence: 3 prime UTR variant.
Genome position (GRCh38, 1-based): chr6:10,628,039, C>A. VCF-style: chr6-10628039-C-A. GRCh37 (hg19) VCF-style: chr6-10628272-C-A.
Other names: c.*1432C>A (NM_001374747.1, NM_001491.3, NM_145655.4).
Identifiers: ClinVar variation 905704 (VCV000905704.4), dbSNP rs578022959, ClinGen allele CA134104084.